The following is an entry in ClinVar:

NM_004329.3(BMPR1A):c.1569G>C (p.Lys523Asn)

Gene: BMPR1A (bone morphogenetic protein receptor type 1A; plus strand). Cytogenetic location: 10q23.2.
Variant type: single nucleotide variant.
Coding change: c.1569G>C on transcript NM_004329.3 (MANE Select); coding-DNA position 1569, G replaced by C.
Protein change: p.Lys523Asn; replaces lysine 523 with asparagine.
Molecular consequence: missense variant. On other transcripts: non-coding transcript variant (3).
Genome position (GRCh38, 1-based): chr10:86,923,689, G>C. VCF-style: chr10-86923689-G-C. GRCh37 (hg19) VCF-style: chr10-88683446-G-C.
Other names: c.1569G>C, p.Lys523Asn (NM_001406565.1, NM_001406566.1, NM_001406567.1 and 19 more transcripts); c.1644G>C, p.Lys548Asn (NM_001406559.1); c.1617G>C, p.Lys539Asn (NM_001406560.1); c.1563G>C, p.Lys521Asn (NM_001406583.1); c.1485G>C, p.Lys495Asn (NM_001406584.1, NM_001406585.1, NM_001406586.1 and 2 more transcripts); c.1227G>C, p.Lys409Asn (NM_001406589.1); short protein forms K539N, K495N, K521N, K409N, K523N, K548N.
Identifiers: ClinVar variation 3664756 (VCV003664756.2).
Genomic context (GRCh38, chr10:86,923,689, plus strand): 5'-CTGGGCCCACAATCCAGCCTCCAGACTCACAGCATTGAGAATTAAGAAGACGCTTGCCAA[G>C]ATGGTTGAATCCCAAGATGTAAAAATCTGATGGTTAAACCATCGGAGGAGAAACTCTAGA-3'
Protein context (NP_004320.2, residues 513-532): TALRIKKTLA[Lys523Asn]MVESQDVKI

ClinVar aggregate classification (germline): Uncertain significance (1 of 4 stars; one submission).

Conditions:
Juvenile polyposis syndrome (JPS). Identifiers: Orphanet 2929, MedGen C0345893, MONDO:0017380, OMIM 174900.

Submission:

Labcorp Genetics (formerly Invitae), Labcorp
Classification: Uncertain significance for Juvenile polyposis syndrome. Last evaluated: 2024-10-07. Review status: criteria provided, single submitter. Criteria: Invitae Variant Classification Sherloc (09022015). Collection method: clinical testing. Allele origin: germline.
Comment: This sequence change replaces lysine, which is basic and polar, with asparagine, which is neutral and polar, at codon 523 of the BMPR1A protein (p.Lys523Asn). This variant is not present in population databases (gnomAD no frequency). This variant has not been reported in the literature in individuals affected with BMPR1A-related conditions. Invitae Evidence Modeling of protein sequence and biophysical properties (such as structural, functional, and spatial information, amino acid conservation, physicochemical variation, residue mobility, and thermodynamic stability) indicates that this missense variant is not expected to disrupt BMPR1A protein function with a negative predictive value of 80%. In summary, the available evidence is currently insufficient to determine the role of this variant in disease. Therefore, it has been classified as a Variant of Uncertain Significance.